The following is an entry in ClinVar:

ClinVar aggregate classification (germline): Uncertain significance (1 of 4 stars; one submission).

gnomAD v4.1: 12 of 1,547,352 alleles (0.00078%); highest among the groups gnomAD compares: African/African-American, 0.0028%; no homozygotes.

Submission:

Women's Health and Genetics/Laboratory Corporation of America, LabCorp
Classification: Uncertain significance. Last evaluated: 2025-11-11. Review status: criteria provided, single submitter. Criteria: LabCorp Variant Classification Summary - May 2015. Collection method: clinical testing. Allele origin: germline.
Comment: Variant summary: CACNA1A NM_001127221.2 c.*742G>A, also annotated as CACNA1A NM_023035.3 c.*9G>A, is located in the untranslated mRNA region downstream of the termination codon. The variant allele was found at a frequency of 6.2e-06 in 161380 control chromosomes. The available data on variant occurrences in the general population are insufficient to allow any conclusion about variant significance. To our knowledge, no occurrence of this variant in individuals affected with CACNA1A-related conditions and no experimental evidence demonstrating its impact on protein function have been reported. No submitters have cited clinical-significance assessments for this variant to ClinVar. Based on the evidence outlined above, the variant was classified as uncertain significance.

NM_001127222.2(CACNA1A):c.*9G>A

Gene: CACNA1A (calcium voltage-gated channel subunit alpha1 A; minus strand). Cytogenetic location: 19p13.13.
Variant type: single nucleotide variant.
Coding change: c.*9G>A on transcript NM_001127222.2 (MANE Select); 9 bases downstream of the stop codon, G replaced by A.
Molecular consequence: 3 prime UTR variant.
Genome position (GRCh38, 1-based): chr19:13,207,304, C>T on the plus strand (G>A on the coding strand, the complement: CACNA1A is on the minus strand). VCF-style: chr19-13207304-C-T. GRCh37 (hg19) VCF-style: chr19-13318118-C-T.
Other names: c.*742G>A (NM_000068.4, NM_001127221.2, NM_001174080.2); c.*9G>A (NM_023035.3).
Identifiers: ClinVar variation 4536836 (VCV004536836.1).